The following is an entry in ClinVar:

NM_001408.3(CELSR2):c.1813G>A (p.Asp605Asn)

Gene: CELSR2 (cadherin EGF LAG seven-pass G-type receptor 2; plus strand). Cytogenetic location: 1p13.3.
Variant type: single nucleotide variant.
Coding change: c.1813G>A on transcript NM_001408.3 (MANE Select); coding-DNA position 1813, G replaced by A.
Protein change: p.Asp605Asn; replaces aspartic acid 605 with asparagine.
Molecular consequence: missense variant.
Genome position (GRCh38, 1-based): chr1:109,251,892, G>A. VCF-style: chr1-109251892-G-A. GRCh37 (hg19) VCF-style: chr1-109794514-G-A.
Other names: short protein forms D605N.
Identifiers: ClinVar variation 1407810 (VCV001407810.6), dbSNP rs1407401891, ClinGen allele CA341485932.

ClinVar aggregate classification (germline): Uncertain significance (1 of 4 stars; one submission).

Allele frequency attached by ClinVar (database versions not stated): gnomAD exomes below 0.00001; TOPMed below 0.00001.
gnomAD v4.1: 3 of 1,614,038 alleles (0.00019%); highest among the groups gnomAD compares: Admixed American, 0.0017%; no homozygotes.

Submission:

Labcorp Genetics (formerly Invitae), Labcorp
Classification: Uncertain significance. Last evaluated: 2022-09-06. Review status: criteria provided, single submitter. Criteria: Invitae Variant Classification Sherloc (09022015). Collection method: clinical testing. Allele origin: germline.
Comment: ClinVar contains an entry for this variant (Variation ID: 1407810). This variant has not been reported in the literature in individuals affected with CELSR2-related conditions. This variant is present in population databases (no rsID available, gnomAD 0.003%). This sequence change replaces aspartic acid, which is acidic and polar, with asparagine, which is neutral and polar, at codon 605 of the CELSR2 protein (p.Asp605Asn). Algorithms developed to predict the effect of missense changes on protein structure and function are either unavailable or do not agree on the potential impact of this missense change (SIFT: "Deleterious"; PolyPhen-2: "Probably Damaging"; Align-GVGD: "Class C15"). In summary, the available evidence is currently insufficient to determine the role of this variant in disease. Therefore, it has been classified as a Variant of Uncertain Significance.